The following is an entry in ClinVar:

ClinVar aggregate classification (germline): Uncertain significance (1 of 4 stars; one submission).

Conditions:
Cardiovascular phenotype. Identifiers: MedGen CN230736.

Submission:

Ambry Genetics
Classification: Uncertain significance for Cardiovascular phenotype. Last evaluated: 2024-03-13. Review status: criteria provided, single submitter. Criteria: Ambry Variant Classification Scheme 2023. Collection method: clinical testing. Allele origin: germline.
Comment: The p.D57V variant (also known as c.170A>T), located in coding exon 2 of the CACNA1C gene, results from an A to T substitution at nucleotide position 170. The aspartic acid at codon 57 is replaced by valine, an amino acid with highly dissimilar properties. This amino acid position is highly conserved in available vertebrate species. In addition, this alteration is predicted to be deleterious by in silico analysis. Based on the available evidence, the clinical significance of this alteration remains unclear.

NM_000719.7(CACNA1C):c.170A>T (p.Asp57Val)

Gene: CACNA1C (calcium voltage-gated channel subunit alpha1 C; plus strand). Cytogenetic location: 12p13.33.
Variant type: single nucleotide variant.
Coding change: c.170A>T on transcript NM_000719.7 (MANE Select); coding-DNA position 170, A replaced by T.
Protein change: p.Asp57Val; replaces aspartic acid 57 with valine.
Molecular consequence: missense variant.
Genome position (GRCh38, 1-based): chr12:2,115,344, A>T. VCF-style: chr12-2115344-A-T. GRCh37 (hg19) VCF-style: chr12-2224510-A-T.
Other names: c.170A>T, p.Asp57Val (NM_001129827.2, NM_001129829.2, NM_001129830.3 and 19 more transcripts); short protein forms D57V.
Identifiers: ClinVar variation 3232230 (VCV003232230.1), dbSNP rs2547564417, ClinGen allele CA383653075.